The following is an entry in ClinVar:

ClinVar aggregate classification (germline): Uncertain significance (1 of 4 stars; one submission).

Conditions:
Hereditary breast ovarian cancer syndrome. Also called: Hereditary breast and ovarian cancer syndrome; Hereditary breast and ovarian cancer syndrome (HBOC); BRCA1- and BRCA2-Associated Hereditary Breast and Ovarian Cancer; Hereditary breast and ovarian cancer; Breast and ovarian cancer; Hereditary breast and/or ovarian cancer syndrome. Identifiers: Orphanet 145, MedGen C0677776, MeSH D061325, MONDO:0003582. Disease mechanism: loss of function.

Submission:

Labcorp Genetics (formerly Invitae), Labcorp
Classification: Uncertain significance for Hereditary breast ovarian cancer syndrome. Last evaluated: 2024-10-02. Review status: criteria provided, single submitter. Criteria: Invitae Variant Classification Sherloc (09022015). Collection method: clinical testing. Allele origin: germline.
Comment: This sequence change replaces tyrosine, which is neutral and polar, with aspartic acid, which is acidic and polar, at codon 1038 of the BRCA2 protein (p.Tyr1038Asp). This variant is not present in population databases (gnomAD no frequency). This variant has not been reported in the literature in individuals affected with BRCA2-related conditions. Invitae Evidence Modeling of protein sequence and biophysical properties (such as structural, functional, and spatial information, amino acid conservation, physicochemical variation, residue mobility, and thermodynamic stability) indicates that this missense variant is not expected to disrupt BRCA2 protein function with a negative predictive value of 95%. In summary, the available evidence is currently insufficient to determine the role of this variant in disease. Therefore, it has been classified as a Variant of Uncertain Significance.

NM_000059.4(BRCA2):c.3112T>G (p.Tyr1038Asp)

Gene: BRCA2 (BRCA2 DNA repair associated; plus strand). Cytogenetic location: 13q13.1.
Variant type: single nucleotide variant.
Coding change: c.3112T>G on transcript NM_000059.4 (MANE Select); coding-DNA position 3112, T replaced by G.
Protein change: p.Tyr1038Asp; replaces tyrosine 1038 with aspartic acid.
Molecular consequence: missense variant. On other transcripts: non-coding transcript variant (1), intron variant (2).
Genome position (GRCh38, 1-based): chr13:32,337,467, T>G. VCF-style: chr13-32337467-T-G. GRCh37 (hg19) VCF-style: chr13-32911604-T-G.
Other names: c.3112T>G, p.Tyr1038Asp (NM_001406719.1, NM_001406720.1, NM_001432077.1); c.1909+4080T>G (NM_001406721.1); c.424+6437T>G (NM_001406722.1); short protein forms Y1038D.
Identifiers: ClinVar variation 3636452 (VCV003636452.2).